The following is an entry in ClinVar:

NM_001039213.4(CEACAM16):c.95G>T (p.Ser32Ile)

Genes: CEACAM16-AS1 (CEACAM16, CEACAM19 and PVR antisense RNA 1; minus strand), CEACAM16 (CEA cell adhesion molecule 16, tectorial membrane component; plus strand). Cytogenetic location: 19q13.32.
Variant type: single nucleotide variant.
Coding change: c.95G>T on transcript NM_001039213.4 (MANE Select); coding-DNA position 95, G replaced by T.
Protein change: p.Ser32Ile; replaces serine 32 with isoleucine.
Molecular consequence: missense variant.
Genome position (GRCh38, 1-based): chr19:44,703,406, G>T. VCF-style: chr19-44703406-G-T. GRCh37 (hg19) VCF-style: chr19-45206676-G-T.
Other names: short protein forms S32I.
Identifiers: ClinVar variation 226511 (VCV000226511.36), dbSNP rs186687142, ClinGen allele CA9502948.

ClinVar aggregate classification (germline): Benign/Likely benign. Review status: criteria provided, multiple submitters, no conflicts (2 of 4 stars). 6 submissions from 6 submitters: Benign (2); Likely benign (4). Last evaluated 2026-04-01.

Allele frequency attached by ClinVar (database versions not stated): ESP Exome Variant Server 0.00089; gnomAD exomes 0.00159 and 0.00196; gnomAD 0.00178 and 0.00182; ExAC 0.00193; TOPMed 0.00265; 1000 Genomes Project 30x 0.00297; 1000 Genomes Project 0.00339.
gnomAD v4.1: 2,604 of 1,613,786 alleles (0.16%); highest among the groups gnomAD compares: Admixed American, 0.91%; 8 homozygotes.

Submissions (6):

CeGaT Center for Human Genetics Tuebingen
Classification: Likely benign. Last evaluated: 2026-04-01. Review status: criteria provided, single submitter. Criteria: CeGaT Center For Human Genetics Tuebingen Variant Classification Criteria Version 2. Collection method: clinical testing. Allele origin: germline. Affected: yes. Observed: 3 variant alleles.
Comment: CEACAM16: BP4, BS2

Blueprint Genetics
Classification: Likely benign. Last evaluated: 2024-11-25. Review status: criteria provided, single submitter. Criteria: ACMG Guidelines, 2015. Collection method: clinical testing. Allele origin: germline.

GeneDx
Classification: Benign. Last evaluated: 2020-05-30. Review status: criteria provided, single submitter. Criteria: GeneDx Variant Classification Process June 2021. Collection method: clinical testing. Allele origin: germline. Affected: yes.

Labcorp Genetics (formerly Invitae), Labcorp
Classification: Likely benign. Last evaluated: 2019-12-31. Review status: criteria provided, single submitter. Criteria: Invitae Variant Classification Sherloc (09022015). Collection method: clinical testing. Allele origin: germline.

Laboratory for Molecular Medicine, Mass General Brigham Personalized Medicine
Classification: Benign. Last evaluated: 2015-05-14. Review status: criteria provided, single submitter. Criteria: LMM Criteria. Collection method: clinical testing. Allele origin: germline. Observed: 5 variant alleles.
Comment: p.Ser32Ile in exon 3 of CEACAM16: This variant is not expected to have clinical significance because it has been identified in 0.9% (109/11536) of Latino chromo somes including 3 homozygotes by the Exome Aggregation Consortium (ExAC; dbSNP rs186687142).

Breakthrough Genomics
Classification: Likely benign. Review status: criteria provided, single submitter. Criteria: ACMG Guidelines, 2015. Collection method: not provided. Allele origin: germline. Inheritance: Autosomal recessive inheritance. Affected: yes.